The following is an entry in ClinVar:

ClinVar aggregate classification (germline): Uncertain significance (1 of 4 stars; one submission).

Conditions:
Arrhythmogenic cardiomyopathy with wooly hair and keratoderma. Also called: PALMOPLANTAR KERATODERMA WITH LEFT VENTRICULAR CARDIOMYOPATHY AND WOOLLY HAIR; Carvajal syndrome; Dilated cardiomyopathy with woolly hair and keratoderma; Arrhythmogenic cardiomyopathy with woolly hair and keratoderma. Identifiers: Orphanet 65282, MedGen C1854063, MONDO:0011581, OMIM 605676.
Arrhythmogenic right ventricular dysplasia 8 (ARVD8). Also called: Arrhythmogenic Right Ventricular Dysplasia/Cardiomyopathy 8; ARRHYTHMOGENIC RIGHT VENTRICULAR DYSPLASIA, FAMILIAL, 8; ARRHYTHMOGENIC RIGHT VENTRICULAR CARDIOMYOPATHY 8. Identifiers: MedGen C1843896, MONDO:0011831, OMIM 607450.

gnomAD v4.1: 5 of 1,614,196 alleles (0.00031%); highest among the groups gnomAD compares: Non-Finnish European, 0.00042%; no homozygotes.

Submission:

Labcorp Genetics (formerly Invitae), Labcorp
Classification: Uncertain significance for Arrhythmogenic cardiomyopathy with wooly hair and keratoderma; Arrhythmogenic right ventricular dysplasia 8. Last evaluated: 2021-10-21. Review status: criteria provided, single submitter. Criteria: Invitae Variant Classification Sherloc (09022015). Collection method: clinical testing. Allele origin: germline.
Comment: This sequence change replaces aspartic acid with glutamic acid at codon 2540 of the DSP protein (p.Asp2540Glu). The aspartic acid residue is moderately conserved and there is a small physicochemical difference between aspartic acid and glutamic acid. This variant is not present in population databases (ExAC no frequency). This variant has not been reported in the literature in individuals affected with DSP-related conditions. Algorithms developed to predict the effect of missense changes on protein structure and function output the following: SIFT: "Tolerated"; PolyPhen-2: "Benign"; Align-GVGD: "Class C0". The glutamic acid amino acid residue is found in multiple mammalian species, which suggests that this missense change does not adversely affect protein function. In summary, the available evidence is currently insufficient to determine the role of this variant in disease. Therefore, it has been classified as a Variant of Uncertain Significance.

NM_004415.4(DSP):c.7620C>A (p.Asp2540Glu)

Gene: DSP (desmoplakin; plus strand). Cytogenetic location: 6p24.3.
Variant type: single nucleotide variant.
Coding change: c.7620C>A on transcript NM_004415.4 (MANE Select); coding-DNA position 7620, C replaced by A.
Protein change: p.Asp2540Glu; replaces aspartic acid 2540 with glutamic acid.
Molecular consequence: missense variant.
Genome position (GRCh38, 1-based): chr6:7,584,882, C>A. VCF-style: chr6-7584882-C-A. GRCh37 (hg19) VCF-style: chr6-7585115-C-A.
Other names: c.5823C>A, p.Asp1941Glu (NM_001008844.3); c.6291C>A, p.Asp2097Glu (NM_001319034.2); short protein forms D1941E, D2097E, D2540E.
Identifiers: ClinVar variation 1500084 (VCV001500084.6), dbSNP rs2113702817, ClinGen allele CA362693409.